The following is an entry in ClinVar:

NM_183075.3(CYP2U1):c.117A>T (p.Leu39=)

Genes: CYP2U1 (cytochrome P450 family 2 subfamily U member 1; plus strand), CYP2U1-AS1 (CYP2U1 and SGMS2 antisense RNA 1; minus strand). Cytogenetic location: 4q25.
Variant type: single nucleotide variant.
Coding change: c.117A>T on transcript NM_183075.3 (MANE Select); coding-DNA position 117, A replaced by T.
Protein change: p.Leu39=; no amino-acid change (leucine 39 retained).
Molecular consequence: synonymous variant.
Genome position (GRCh38, 1-based): chr4:107,931,760, A>T. VCF-style: chr4-107931760-A-T. GRCh37 (hg19) VCF-style: chr4-108852916-A-T.
Identifiers: ClinVar variation 2655012 (VCV002655012.24), dbSNP rs1732986402, ClinGen allele CA440558074.

ClinVar aggregate classification (germline): Likely benign (1 of 4 stars; one submission).

Submission:

CeGaT Center for Human Genetics Tuebingen
Classification: Likely benign. Last evaluated: 2023-08-01. Review status: criteria provided, single submitter. Criteria: CeGaT Center For Human Genetics Tuebingen Variant Classification Criteria Version 2. Collection method: clinical testing. Allele origin: germline. Affected: yes. Observed: 1 variant allele.
Comment: CYP2U1: PM2:Supporting, BP4, BP7